The following is an entry in ClinVar:

ClinVar aggregate classification (germline): Likely benign. Review status: criteria provided, multiple submitters, no conflicts (2 of 4 stars). 2 submissions from 2 submitters: Likely benign (2). Last evaluated 2023-08-15.

Conditions:
Marfan syndrome (MFS). Also called: MARFAN SYNDROME, TYPE I; Marfan syndrome type 1; Marfan's syndrome; Marfan syndrome, classic; FBN1-Related Marfan Syndrome. Identifiers: Orphanet 284963, Orphanet 558, MedGen C0024796, MONDO:0007947, OMIM 154700.
Familial thoracic aortic aneurysm and aortic dissection (TAAD). Also called: Thoracic aortic aneurysms and dissections. Identifiers: Orphanet 91387, MedGen C4707243, MONDO:0019625.

Submissions (2):

All of Us Research Program, National Institutes of Health
Classification: Likely benign for Marfan syndrome. Last evaluated: 2023-08-15. Review status: criteria provided, single submitter. Criteria: ACMG Guidelines, 2015. Collection method: clinical testing. Allele origin: germline. Inheritance: Autosomal dominant inheritance. Observed: 1 variant allele, 1 heterozygote.
Comment: This study involves interpretation of variants in research participants for the purpose of population health screening. Participant phenotype was not available at the time of variant classification. Additional details can be found in publication PMID: 35346344, PMCID: PMC8962531

Labcorp Genetics (formerly Invitae), Labcorp
Classification: Likely benign for Marfan syndrome; Familial thoracic aortic aneurysm and aortic dissection. Last evaluated: 2022-09-15. Review status: criteria provided, single submitter. Criteria: Invitae Variant Classification Sherloc (09022015). Collection method: clinical testing. Allele origin: germline.

NM_000138.5(FBN1):c.5586T>C (p.His1862=)

Gene: FBN1 (fibrillin 1; minus strand). Cytogenetic location: 15q21.1.
Variant type: single nucleotide variant.
Coding change: c.5586T>C on transcript NM_000138.5 (MANE Select); coding-DNA position 5586, T replaced by C.
Protein change: p.His1862=; no amino-acid change (histidine 1862 retained).
Molecular consequence: synonymous variant.
Genome position (GRCh38, 1-based): chr15:48,448,853, A>G on the plus strand (T>C on the coding strand, the complement: FBN1 is on the minus strand). VCF-style: chr15-48448853-A-G. GRCh37 (hg19) VCF-style: chr15-48741050-A-G.
Other names: c.5586T>C, p.His1862= (NM_001406716.1).
Identifiers: ClinVar variation 2030596 (VCV002030596.5), dbSNP rs2505463379, ClinGen allele CA490023287.